The following is an entry in ClinVar:

ClinVar aggregate classification (germline): Uncertain significance (1 of 4 stars; one submission).

Conditions:
Leukocyte adhesion deficiency type II. Also called: CDG IIc; Congenital disorder of glycosylation type 2C; CDG 2C; Leukocyte adhesion deficiency type 2; Rambam Hasharon syndrome; CONGENITAL DISORDER OF GLYCOSYLATION, TYPE IIc. Identifiers: Orphanet 2968, Orphanet 99843, MedGen C0398739, MONDO:0009953, OMIM 266265.

Submission:

Labcorp Genetics (formerly Invitae), Labcorp
Classification: Uncertain significance for Leukocyte adhesion deficiency type II. Last evaluated: 2022-05-03. Review status: criteria provided, single submitter. Criteria: Invitae Variant Classification Sherloc (09022015). Collection method: clinical testing. Allele origin: germline.
Comment: In summary, the available evidence is currently insufficient to determine the role of this variant in disease. Therefore, it has been classified as a Variant of Uncertain Significance. Algorithms developed to predict the effect of missense changes on protein structure and function (SIFT, PolyPhen-2, Align-GVGD) all suggest that this variant is likely to be tolerated. This variant has not been reported in the literature in individuals affected with SLC35C1-related conditions. This variant is not present in population databases (gnomAD no frequency). This sequence change replaces threonine, which is neutral and polar, with alanine, which is neutral and non-polar, at codon 199 of the SLC35C1 protein (p.Thr199Ala).

NM_018389.5(SLC35C1):c.595A>G (p.Thr199Ala)

Gene: SLC35C1 (solute carrier family 35 member C1; plus strand). Cytogenetic location: 11p11.2.
Variant type: single nucleotide variant.
Coding change: c.595A>G on transcript NM_018389.5 (MANE Select); coding-DNA position 595, A replaced by G.
Protein change: p.Thr199Ala; replaces threonine 199 with alanine.
Molecular consequence: missense variant.
Genome position (GRCh38, 1-based): chr11:45,810,835, A>G. VCF-style: chr11-45810835-A-G. GRCh37 (hg19) VCF-style: chr11-45832386-A-G.
Other names: c.556A>G, p.Thr186Ala (NM_001145265.2, NM_001145266.2); short protein forms T186A, T199A.
Identifiers: ClinVar variation 2132795 (VCV002132795.4), dbSNP rs766351325, ClinGen allele CA380205490.